The following is an entry in ClinVar:

ClinVar aggregate classification (germline): Pathogenic (1 of 4 stars; one submission).

Conditions:
Glycogen storage disease, type II (IOPD). Also called: Pompe Disease; CARDIOMEGALIA GLYCOGENICA DIFFUSA; GLYCOGENOSIS, GENERALIZED, CARDIAC FORM; GSD II; POMPE DISEASE, INFANTILE-ONSET; GLYCOGEN STORAGE DISEASE II, INFANTILE-ONSET. Identifiers: Orphanet 365, MedGen C0017921, MONDO:0009290, OMIM 232300.

Submission:

Genomenon, Inc
Classification: Pathogenic for Glycogen storage disease, type II. Last evaluated: 2026-07-01. Review status: criteria provided, single submitter. Criteria: Genomenon Sequence Variant Interpretation Standards - Updated. Collection method: curation. Allele origin: germline. Affected: yes.
Comment: GAA p.Leu328GlyfsTer62 (c.982_988del) is a frameshift variant that is predicted to introduce a premature termination codon and result in a truncated or absent protein product. This variant has been observed in at least one proband with a GAA-related disorder (PMID:31342611). Functional studies have been reported (PMID:37486520). It is absent or not present at a significant frequency in gnomAD. In conclusion, we classify GAA p.Leu328GlyfsTer62 (c.982_988del) as a pathogenic variant.

Literature cited by the submitters: PubMed 31342611; PubMed 37486520.

NM_000152.5(GAA):c.982_988del (p.Leu328fs)

Gene: GAA (alpha glucosidase; plus strand). Cytogenetic location: 17q25.3.
Variant type: Deletion.
Coding change: c.982_988del on transcript NM_000152.5 (MANE Select); coding-DNA positions 982 to 988, 7 bases deleted (CTTAGCT; older notation c.982_988delCTTAGCT).
Protein change: p.Leu328fs; shifts the reading frame from leucine 328.
Molecular consequence: frameshift variant.
Genome position (GRCh38, 1-based): chr17:80,108,316-80,108,322, CTTAGCT deleted. VCF-style (leftmost placement, unchanged base first): chr17-80108315-CCTTAGCT-C. GRCh37 (hg19) VCF-style: chr17-78082114-CCTTAGCT-C.
Other names: c.982_988del, p.Leu328fs (NM_001079803.3, NM_001079804.3, NM_001406741.1 and 1 more transcripts); short protein forms L328fs.
Identifiers: ClinVar variation 4876578 (VCV004876578.1).